The following is an entry in ClinVar:

NM_002460.4(IRF4):c.832del (p.His278fs)

Gene: IRF4 (interferon regulatory factor 4; plus strand). Cytogenetic location: 6p25.3.
Variant type: Deletion.
Coding change: c.832del on transcript NM_002460.4 (MANE Select); coding-DNA position 832, one base deleted (C; older notation c.832delC).
Protein change: p.His278fs; shifts the reading frame from histidine 278.
Molecular consequence: frameshift variant. On other transcripts: non-coding transcript variant (1).
Genome position (GRCh38, 1-based): chr6:401,510, C deleted; the last of 3 consecutive C bases (chr6:401,508-401,510); deleting any one gives the same sequence. VCF-style (leftmost placement, unchanged base first): chr6-401507-TC-T. GRCh37 (hg19) VCF-style: chr6-401507-TC-T.
Other names: c.829del, p.His277fs (NM_001195286.2); short protein forms H277fs, H278fs.
Identifiers: ClinVar variation 3728374 (VCV003728374.2).

ClinVar aggregate classification (germline): Uncertain significance (1 of 4 stars; one submission).

Submission:

Labcorp Genetics (formerly Invitae), Labcorp
Classification: Uncertain significance. Last evaluated: 2024-12-31. Review status: criteria provided, single submitter. Criteria: Invitae Variant Classification Sherloc (09022015). Collection method: clinical testing. Allele origin: germline.
Comment: This sequence change creates a premature translational stop signal (p.His278Metfs*31) in the IRF4 gene. It is expected to result in an absent or disrupted protein product. However, the current clinical and genetic evidence is not sufficient to establish whether loss-of-function variants in IRF4 cause disease. This variant is not present in population databases (gnomAD no frequency). This variant has not been reported in the literature in individuals affected with IRF4-related conditions. In summary, the available evidence is currently insufficient to determine the role of this variant in disease. Therefore, it has been classified as a Variant of Uncertain Significance.